The following is an entry in ClinVar:

NM_018026.4(PACS1):c.979-8C>G

Gene: PACS1 (phosphofurin acidic cluster sorting protein 1; plus strand). Cytogenetic location: 11q13.2.
Variant type: single nucleotide variant.
Coding change: c.979-8C>G on transcript NM_018026.4 (MANE Select); 8 bases into the intron before coding-DNA position 979, C replaced by G.
Molecular consequence: intron variant.
Genome position (GRCh38, 1-based): chr11:66,219,738, C>G. VCF-style: chr11-66219738-C-G. GRCh37 (hg19) VCF-style: chr11-65987209-C-G.
Identifiers: ClinVar variation 2032489 (VCV002032489.4), dbSNP rs2495558524, ClinGen allele CA2580084527.

ClinVar aggregate classification (germline): Uncertain significance (1 of 4 stars; one submission).

Conditions:
Schuurs-Hoeijmakers syndrome. Also called: PACS1-Related Neurodevelopmental Disorder. Identifiers: Orphanet 329224, MedGen C3554343, MONDO:0014006, OMIM 615009.

Submission:

Labcorp Genetics (formerly Invitae), Labcorp
Classification: Uncertain significance for Schuurs-Hoeijmakers syndrome. Last evaluated: 2022-09-25. Review status: criteria provided, single submitter. Criteria: Invitae Variant Classification Sherloc (09022015). Collection method: clinical testing. Allele origin: germline.
Comment: Algorithms developed to predict the effect of sequence changes on RNA splicing suggest that this variant may create or strengthen a splice site. This variant has not been reported in the literature in individuals affected with PACS1-related conditions. This variant is not present in population databases (gnomAD no frequency). In summary, the available evidence is currently insufficient to determine the role of this variant in disease. Therefore, it has been classified as a Variant of Uncertain Significance. This sequence change falls in intron 7 of the PACS1 gene. It does not directly change the encoded amino acid sequence of the PACS1 protein.